The following is an entry in ClinVar:

NM_031483.7(ITCH):c.670C>T (p.Arg224Cys)

Gene: ITCH (itchy E3 ubiquitin protein ligase; plus strand). Cytogenetic location: 20q11.22.
Variant type: single nucleotide variant.
Coding change: c.670C>T on transcript NM_031483.7 (MANE Select); coding-DNA position 670, C replaced by T.
Protein change: p.Arg224Cys; replaces arginine 224 with cysteine.
Molecular consequence: missense variant.
Genome position (GRCh38, 1-based): chr20:34,438,622, C>T. VCF-style: chr20-34438622-C-T. GRCh37 (hg19) VCF-style: chr20-33026427-C-T.
Other names: c.793C>T, p.Arg265Cys (NM_001257137.3, NM_001324197.2); c.340C>T, p.Arg114Cys (NM_001257138.3); c.670C>T, p.Arg224Cys (NM_001324198.2); c.670C>T (NM_031483.4); short protein forms R114C, R224C, R265C.
Identifiers: ClinVar variation 851851 (VCV000851851.7), dbSNP rs200896809, ClinGen allele CA9821385.

ClinVar aggregate classification (germline): Uncertain significance. Review status: criteria provided, multiple submitters, no conflicts (2 of 4 stars). 3 submissions from 3 submitters: Uncertain significance (3). Last evaluated 2025-06-04.

Conditions:
Syndromic multisystem autoimmune disease due to ITCH deficiency. Also called: AUTOIMMUNE DISEASE, MULTISYSTEM, WITH FACIAL DYSMORPHISM. Identifiers: Orphanet 228426, MedGen C3150649, MONDO:0013245, OMIM 613385.
Inborn genetic diseases. Identifiers: MedGen C0950123, MeSH D030342.

Allele frequency attached by ClinVar (database versions not stated): TOPMed 0.00002; gnomAD 0.00001 and 0.00006; gnomAD exomes 0.00017; ExAC 0.00019.

Submissions (3):

Ambry Genetics
Classification: Uncertain significance for Inborn genetic diseases. Last evaluated: 2025-06-04. Review status: criteria provided, single submitter. Criteria: Ambry Variant Classification Scheme 2023. Collection method: clinical testing. Allele origin: germline.

Labcorp Genetics (formerly Invitae), Labcorp
Classification: Uncertain significance for Syndromic multisystem autoimmune disease due to ITCH deficiency. Last evaluated: 2023-11-03. Review status: criteria provided, single submitter. Criteria: Invitae Variant Classification Sherloc (09022015). Collection method: clinical testing. Allele origin: germline.
Comment: This sequence change replaces arginine, which is basic and polar, with cysteine, which is neutral and slightly polar, at codon 224 of the ITCH protein (p.Arg224Cys). This variant is present in population databases (rs200896809, gnomAD 0.1%). This variant has not been reported in the literature in individuals affected with ITCH-related conditions. ClinVar contains an entry for this variant (Variation ID: 851851). An algorithm developed to predict the effect of missense changes on protein structure and function (PolyPhen-2) suggests that this variant is likely to be disruptive. In summary, the available evidence is currently insufficient to determine the role of this variant in disease. Therefore, it has been classified as a Variant of Uncertain Significance.

Department of Pathology and Laboratory Medicine, Sinai Health System
Classification: Uncertain significance for Syndromic multisystem autoimmune disease due to ITCH deficiency. Last evaluated: 2021-12-30. Review status: criteria provided, single submitter. Criteria: ACMG Guidelines, 2015. Collection method: research. Allele origin: germline.